The following is an entry in ClinVar:

ClinVar aggregate classification (germline): Benign/Likely benign. Review status: criteria provided, multiple submitters, no conflicts (2 of 4 stars). 3 submissions from 3 submitters: Benign (1); Likely benign (1). 1 of the submissions does not count toward it. Last evaluated 2025-01-29.

Conditions:
Treacher Collins syndrome 1 (TCS1). Also called: TCOF1-Related Treacher Collins Syndrome. Identifiers: Orphanet 861, MedGen CN315775, MONDO:0007944, OMIM 154500.

Allele frequency attached by ClinVar (database versions not stated): gnomAD 0.00001 and 0.00036; ESP Exome Variant Server 0.00008; TOPMed 0.00011; gnomAD exomes 0.00064 and 0.00122; ExAC 0.00143; 1000 Genomes Project 30x 0.00234; 1000 Genomes Project 0.00280.
gnomAD v4.1: 998 of 1,614,172 alleles (0.062%); highest among the groups gnomAD compares: South Asian, 0.99%; 16 homozygotes.

Submissions (3):

Labcorp Genetics (formerly Invitae), Labcorp
Classification: Benign for Treacher Collins syndrome 1. Last evaluated: 2025-01-29. Review status: criteria provided, single submitter. Criteria: Invitae Variant Classification Sherloc (09022015). Collection method: clinical testing. Allele origin: germline.

CeGaT Center for Human Genetics Tuebingen
Classification: Likely benign. Last evaluated: 2023-04-01. Review status: criteria provided, single submitter. Criteria: CeGaT Center For Human Genetics Tuebingen Variant Classification Criteria Version 2. Collection method: clinical testing. Allele origin: germline. Affected: yes. Observed: 1 variant allele.
Comment: TCOF1: BP4, BS2

Genetics Laboratories, Oxford Radcliffe Hospitals NHS Trust
Classification: Likely benign for Treacher collins syndrome 1. Review status: no assertion criteria provided. Collection method: not provided. Allele origin: somatic. Not counted in ClinVar's aggregate classification.

NM_001371623.1(TCOF1):c.3784+8A>G

Gene: TCOF1 (treacle ribosome biogenesis factor 1; plus strand). Cytogenetic location: 5q32.
Variant type: single nucleotide variant.
Coding change: c.3784+8A>G on transcript NM_001371623.1 (MANE Select); 8 bases into the intron after coding-DNA position 3784, A replaced by G.
Molecular consequence: intron variant.
Genome position (GRCh38, 1-based): chr5:150,393,560, A>G. VCF-style: chr5-150393560-A-G. GRCh37 (hg19) VCF-style: chr5-149773123-A-G.
Other names: c.3781+8A>G (NM_001135243.2); c.3670+8A>G (NM_001135244.2); c.3667+8A>G (NM_001195141.2); c.3553+8A>G (NM_001135245.2); c.3550+8A>G (NM_000356.4).
Identifiers: ClinVar variation 209013 (VCV000209013.29), dbSNP rs151344578, ClinGen allele CA276068.